The following is an entry in ClinVar:

ClinVar aggregate classification (germline): Uncertain significance. Review status: criteria provided, single submitter (1 of 4 stars). 2 submissions from 2 submitters: Uncertain significance (1). 1 of the submissions does not count toward it. Last evaluated 2020-05-29.

Conditions:
Neurodevelopmental disorder. Identifiers: MedGen C1535926, MeSH D065886, MONDO:0700092.
Neurodevelopmental disorder with hypotonia, seizures, and absent language (NDHSAL). Identifiers: MedGen C4310643, MONDO:0014995, OMIM 617268.

Submissions (2):

Broad Center for Mendelian Genomics, Broad Institute of MIT and Harvard
Classification: Uncertain significance for Neurodevelopmental disorder with hypotonia, seizures, and absent language. Last evaluated: 2020-05-29. Review status: criteria provided, single submitter. Criteria: ACMG Guidelines, 2015. Collection method: research. Allele origin: germline. Inheritance: Autosomal recessive inheritance.
Comment: The homozygous p.Ser465Cys (also called p.Ser359Cys) variant in NTNG2 was identified by our study in 2 siblings with neurodevelopmental disorder with hypotonia, seizures, and absent language (PMID: 31668703). The presence of this variant in 2 affected homozygotes with neurodevelopmental disorder with hypotonia, seizures, and absent language increases the likelihood that the p.Ser465Cys variant is pathogenic. This variant was absent from large population studies. In vitro functional studies provide some evidence that the p.Ser465Cys variant may slightly impact protein function (PMID: 31668703). However, these types of assays may not accurately represent biological function. Computational prediction tools and conservation analyses do not provide strong support for or against an impact to the protein. In summary, while there is some suspicion for a pathogenic role, the clinical significance of this variant is uncertain. ACMG/AMP Criteria applied: PM2, PM3_supporting, PS3_supporting (Richards 2015).

Lupski Lab, Baylor-Hopkins CMG, Baylor College of Medicine
Classification: Likely pathogenic for Neurodevelopmental disorder. Last evaluated: 2019-09-18. Review status: no assertion criteria provided. Collection method: research. Allele origin: inherited. Inheritance: Autosomal recessive inheritance. Affected: yes. Not counted in ClinVar's aggregate classification.

Literature cited by the submitters: PubMed 31668703 (cited by Broad Center for Mendelian Genomics, Broad Institute of MIT and Harvard).

NM_032536.4(NTNG2):c.1076C>G (p.Ser359Cys)

Gene: NTNG2 (netrin G2; plus strand). Cytogenetic location: 9q34.13.
Variant type: single nucleotide variant.
Coding change: c.1076C>G on transcript NM_032536.4 (MANE Select); coding-DNA position 1076, C replaced by G.
Protein change: p.Ser359Cys; replaces serine 359 with cysteine.
Molecular consequence: missense variant.
Genome position (GRCh38, 1-based): chr9:132,239,125, C>G. VCF-style: chr9-132239125-C-G. GRCh37 (hg19) VCF-style: chr9-135114512-C-G.
Other names: short protein forms S359C.
Identifiers: ClinVar variation 691557 (VCV000691557.2), dbSNP rs1589568530, ClinGen allele CA375337462.